The following is an entry in ClinVar:

ClinVar aggregate classification (germline): Conflicting classifications of pathogenicity. Review status: criteria provided, conflicting classifications (1 of 4 stars). 5 submissions from 5 submitters: Uncertain significance (2); Likely benign (2). 1 of the submissions does not count toward it. Last evaluated 2025-01-08.

Conditions:
Autosomal recessive nonsyndromic hearing loss 77. Identifiers: Orphanet 90636, MedGen C2746083, MONDO:0013119, OMIM 613079.

Allele frequency attached by ClinVar (database versions not stated): ExAC below 0.00001; gnomAD 0.00004 and 0.00005; TOPMed 0.00004; 1000 Genomes Project 0.00020; 1000 Genomes Project 30x 0.00031.

Submissions (5):

Women's Health and Genetics/Laboratory Corporation of America, LabCorp
Classification: Likely benign. Last evaluated: 2025-01-08. Review status: criteria provided, single submitter. Criteria: LabCorp Variant Classification Summary - May 2015. Collection method: clinical testing. Allele origin: germline.
Comment: Variant summary: LOXHD1 c.5085+957C>T is located at a position not widely known to affect splicing. Consensus agreement among computation tools predict no significant impact on normal splicing. However, these predictions have yet to be confirmed by functional studies. The variant allele was found at a frequency of 3.2e-05 in 156418 control chromosomes. The available data on variant occurrences in the general population are insufficient to allow any conclusion about variant significance. The variant causes an amino acid change in the shorter transcript NM_001145472.3 (c.1891C>T, p.Arg631Cys). c.1891C>T has been reported in the literature in an individual affected with Nonsyndromic Hearing Loss (Yu_2021). These report(s) do not provide unequivocal conclusions about association of the variant with Nonsyndromic Hearing Loss And Deafness, Type 77. To our knowledge, no experimental evidence demonstrating an impact on protein function has been reported. The following publications have been ascertained in the context of this evaluation (PMID: 35711932, 33892339). ClinVar contains an entry for this variant (Variation ID: 982255). Based on the evidence outlined above, the variant was classified as likely benign.

Blueprint Genetics
Classification: Uncertain significance. Last evaluated: 2024-10-16. Review status: criteria provided, single submitter. Criteria: ACMG Guidelines, 2015. Collection method: clinical testing. Allele origin: germline.

Labcorp Genetics (formerly Invitae), Labcorp
Classification: Likely benign. Last evaluated: 2022-08-09. Review status: criteria provided, single submitter. Criteria: Invitae Variant Classification Sherloc (09022015). Collection method: clinical testing. Allele origin: germline.

Department of Pathology and Laboratory Medicine, Sinai Health System
Classification: Uncertain significance for Autosomal recessive nonsyndromic hearing loss 77. Last evaluated: 2021-08-09. Review status: criteria provided, single submitter. Criteria: ACMG Guidelines, 2015. Collection method: research. Allele origin: germline.

Center for Molecular Medicine, Children’s Hospital of Fudan University
Classification: Likely pathogenic for Autosomal recessive nonsyndromic hearing loss 77. Last evaluated: 2020-09-30. Review status: no assertion criteria provided. Collection method: clinical testing. Allele origin: paternal. Affected: yes. Not counted in ClinVar's aggregate classification.

Literature cited by the submitters: PubMed 33892339 (cited by Women's Health and Genetics/Laboratory Corporation of America, LabCorp); PubMed 35711932 (cited by Women's Health and Genetics/Laboratory Corporation of America, LabCorp).

NM_001384474.1(LOXHD1):c.5224C>T (p.Arg1742Cys)

Gene: LOXHD1 (lipoxygenase homology PLAT domains 1; minus strand). Cytogenetic location: 18q21.1.
Variant type: single nucleotide variant.
Coding change: c.5224C>T on transcript NM_001384474.1 (MANE Select); coding-DNA position 5224, C replaced by T.
Protein change: p.Arg1742Cys; replaces arginine 1742 with cysteine.
Molecular consequence: missense variant. On other transcripts: intron variant (1).
Genome position (GRCh38, 1-based): chr18:46,521,144, G>A on the plus strand (C>T on the coding strand, the complement: LOXHD1 is on the minus strand). VCF-style: chr18-46521144-G-A. GRCh37 (hg19) VCF-style: chr18-44101107-G-A.
Other names: c.5085+957C>T (NM_144612.6, NM_144612.7); c.1891C>T, p.Arg631Cys (NM_001145472.3); c.1603C>T, p.Arg535Cys (NM_001308013.2); short protein forms R1742C, R535C, R631C.
Identifiers: ClinVar variation 982255 (VCV000982255.13), dbSNP rs561122654, ClinGen allele CA8952239.